The following is an entry in ClinVar:

ClinVar aggregate classification (germline): Uncertain significance. Review status: criteria provided, multiple submitters, no conflicts (2 of 4 stars). 2 submissions from 2 submitters: Uncertain significance (2). Last evaluated 2022-12-30.

Conditions:
Inborn genetic diseases. Identifiers: MedGen C0950123, MeSH D030342.
Dyskeratosis congenita. Identifiers: Orphanet 1775, MedGen C0265965, MONDO:0015780.

Allele frequency attached by ClinVar (database versions not stated): TOPMed 0.00002.

Submissions (2):

Labcorp Genetics (formerly Invitae), Labcorp
Classification: Uncertain significance for Dyskeratosis congenita. Last evaluated: 2022-12-30. Review status: criteria provided, single submitter. Criteria: Invitae Variant Classification Sherloc (09022015). Collection method: clinical testing. Allele origin: germline.
Comment: In summary, the available evidence is currently insufficient to determine the role of this variant in disease. Therefore, it has been classified as a Variant of Uncertain Significance. Advanced modeling of protein sequence and biophysical properties (such as structural, functional, and spatial information, amino acid conservation, physicochemical variation, residue mobility, and thermodynamic stability) performed at Invitae indicates that this missense variant is expected to disrupt CTC1 protein function. This variant has not been reported in the literature in individuals affected with CTC1-related conditions. This variant is present in population databases (no rsID available, gnomAD 0.003%). This sequence change replaces valine, which is neutral and non-polar, with methionine, which is neutral and non-polar, at codon 263 of the CTC1 protein (p.Val263Met).

Ambry Genetics
Classification: Uncertain significance for Inborn genetic diseases. Last evaluated: 2022-11-10. Review status: criteria provided, single submitter. Criteria: Ambry Variant Classification Scheme 2023. Collection method: clinical testing. Allele origin: germline.

NM_025099.6(CTC1):c.787G>A (p.Val263Met)

Gene: CTC1 (CST telomere replication complex component 1; minus strand). Cytogenetic location: 17p13.1.
Variant type: single nucleotide variant.
Coding change: c.787G>A on transcript NM_025099.6 (MANE Select); coding-DNA position 787, G replaced by A.
Protein change: p.Val263Met; replaces valine 263 with methionine.
Molecular consequence: missense variant. On other transcripts: non-coding transcript variant (1).
Genome position (GRCh38, 1-based): chr17:8,237,380, C>T on the plus strand (G>A on the coding strand, the complement: CTC1 is on the minus strand). VCF-style: chr17-8237380-C-T. GRCh37 (hg19) VCF-style: chr17-8140698-C-T.
Other names: c.787G>A, p.Val263Met (NM_001411067.1); short protein forms V263M.
Identifiers: ClinVar variation 2325151 (VCV002325151.5), dbSNP rs1010062693, ClinGen allele CA287538446.